The following is an entry in ClinVar:

ClinVar aggregate classification (germline): Benign/Likely benign. Review status: criteria provided, multiple submitters, no conflicts (2 of 4 stars). 2 submissions from 2 submitters: Benign (1); Likely benign (1). Last evaluated 2025-12-31.

Conditions:
ALG6-congenital disorder of glycosylation 1C (CDG1C). Also called: CDG Ic; Congenital disorder of glycosylation, type Ic; CARBOHYDRATE-DEFICIENT GLYCOPROTEIN SYNDROME, TYPE I, WITH DEFICIENT GLYCOSYLATION OF DOLICHOL-LINKED OLIGOSACCHARIDE; CARBOHYDRATE-DEFICIENT GLYCOPROTEIN SYNDROME, TYPE V; Congenital disorder of glycosylation type 1C. Identifiers: Orphanet 79320, MedGen C2930997, MONDO:0011291, OMIM 603147.

Submissions (2):

Labcorp Genetics (formerly Invitae), Labcorp
Classification: Benign for ALG6-congenital disorder of glycosylation 1C. Last evaluated: 2025-12-31. Review status: criteria provided, single submitter. Criteria: Invitae Variant Classification Sherloc (09022015). Collection method: clinical testing. Allele origin: germline.

GeneDx
Classification: Likely benign. Last evaluated: 2018-04-11. Review status: criteria provided, single submitter. Criteria: GeneDx Variant Classification (06012015). Collection method: clinical testing. Allele origin: germline. Affected: yes.
Comment: This variant is considered likely benign or benign based on one or more of the following criteria: it is a conservative change, it occurs at a poorly conserved position in the protein, it is predicted to be benign by multiple in silico algorithms, and/or has population frequency not consistent with disease.

NM_013339.4(ALG6):c.988-8dup

Gene: ALG6 (ALG6 alpha-1,3-glucosyltransferase; plus strand). Cytogenetic location: 1p31.3.
Variant type: Duplication.
Coding change: c.988-8dup on transcript NM_013339.4 (MANE Select); 8 bases into the intron before coding-DNA position 988, one base duplicated (T; older notation c.988-8dupT).
Molecular consequence: intron variant.
Genome position (GRCh38, 1-based): chr1:63,419,362, T duplicated; the last of 6 consecutive T bases (chr1:63,419,357-63,419,362); duplicating any one gives the same sequence. VCF-style (leftmost placement, unchanged base first): chr1-63419356-C-CT. GRCh37 (hg19) VCF-style: chr1-63885027-C-CT.
Identifiers: ClinVar variation 681401 (VCV000681401.4), dbSNP rs779365053, ClinGen allele CA888336.